The following is an entry in ClinVar:

ClinVar aggregate classification (germline): Uncertain significance. Review status: criteria provided, multiple submitters, no conflicts (2 of 4 stars). 2 submissions from 2 submitters: Uncertain significance (2). Last evaluated 2026-09-16.

Conditions:
NRP1-related disorder. Also called: NRP1-related condition.

Allele frequency attached by ClinVar (database versions not stated): ExAC 0.00001; ESP Exome Variant Server 0.00008.
gnomAD v4.1: 45 of 1,613,930 alleles (0.0028%); highest among the groups gnomAD compares: South Asian, 0.019%; no homozygotes.

Submissions (2):

PreventionGenetics, part of Exact Sciences
Classification: Uncertain significance for NRP1-related condition. Last evaluated: 2026-09-16. Review status: criteria provided, single submitter. Criteria: ACMG Guidelines, 2015. Collection method: clinical testing. Allele origin: germline.
Comment: The NRP1 c.1789G>A variant is predicted to result in the amino acid substitution p.Gly597Arg. To our knowledge, this variant has not been reported in the literature. This variant is reported in 0.0065% of alleles in individuals of South Asian descent in gnomAD. At this time, the clinical significance of this variant is uncertain due to the absence of conclusive functional and genetic evidence.

Ambry Genetics
Classification: Uncertain significance. Last evaluated: 2025-05-29. Review status: criteria provided, single submitter. Criteria: Ambry Variant Classification Scheme 2023. Collection method: clinical testing. Allele origin: germline.

NM_003873.7(NRP1):c.1789G>A (p.Gly597Arg)

Gene: NRP1 (neuropilin 1; minus strand). Cytogenetic location: 10p11.22.
Variant type: single nucleotide variant.
Coding change: c.1789G>A on transcript NM_003873.7 (MANE Select); coding-DNA position 1789, G replaced by A.
Protein change: p.Gly597Arg; replaces glycine 597 with arginine.
Molecular consequence: missense variant. On other transcripts: non-coding transcript variant (1), intron variant (1).
Genome position (GRCh38, 1-based): chr10:33,202,966, C>T on the plus strand (G>A on the coding strand, the complement: NRP1 is on the minus strand). VCF-style: chr10-33202966-C-T. GRCh37 (hg19) VCF-style: chr10-33491894-C-T.
Other names: c.1789G>A, p.Gly597Arg (NM_001024628.3, NM_001244972.2, NM_001244973.2 and 1 more transcripts); c.1759+4606G>A (NM_001024629.3); short protein forms G597R.
Identifiers: ClinVar variation 2472527 (VCV002472527.5), dbSNP rs141633354, ClinGen allele CA5466433.